The following is an entry in ClinVar:

NM_005591.4(MRE11):c.170T>C (p.Leu57Ser)

Gene: MRE11 (MRE11 double strand break repair nuclease; minus strand). Cytogenetic location: 11q21.
Variant type: single nucleotide variant.
Coding change: c.170T>C on transcript NM_005591.4 (MANE Select); coding-DNA position 170, T replaced by C.
Protein change: p.Leu57Ser; replaces leucine 57 with serine.
Molecular consequence: missense variant.
Genome position (GRCh38, 1-based): chr11:94,486,068, A>G on the plus strand (T>C on the coding strand, the complement: MRE11 is on the minus strand). VCF-style: chr11-94486068-A-G. GRCh37 (hg19) VCF-style: chr11-94219234-A-G.
Other names: c.170T>C, p.Leu57Ser (NM_001330347.2, NM_005590.4); short protein forms L57S.
Identifiers: ClinVar variation 1800033 (VCV001800033.2), dbSNP rs951805101, ClinGen allele CA382379916.
Genomic context (GRCh38, chr11:94,486,068, plus strand): 5'-TCGAGGCAGGTATGTAATGTTTTCCTTGAGGGCTTATTTTCATGAAAAAGATCACCACCT[A>G]ACAAAATAAAATCCACCTGATCAACAGAAAAAGGTGTTAAAATTAGTATGTTTTACAGGT-3'
Protein context (NP_005582.1, residues 47-67): AQENEVDFIL[Leu57Ser]GGDLFHENKP

ClinVar aggregate classification (germline): Uncertain significance (1 of 4 stars; one submission).

Conditions:
Hereditary cancer-predisposing syndrome. Also called: Neoplastic Syndromes, Hereditary; Tumor predisposition; Hereditary Cancer Syndrome; Hereditary neoplastic syndrome. Identifiers: Orphanet 140162, MedGen C0027672, MeSH D009386, MONDO:0015356.

gnomAD v4.1: 1 of 1,613,830 alleles (0.000062%); highest among the groups gnomAD compares: Non-Finnish European, 0.000085%; no homozygotes.

Submission:

Ambry Genetics
Classification: Uncertain significance for Hereditary cancer-predisposing syndrome. Last evaluated: 2022-05-26. Review status: criteria provided, single submitter. Criteria: Ambry Variant Classification Scheme 2023. Collection method: clinical testing. Allele origin: germline.
Comment: The p.L57S variant (also known as c.170T>C), located in coding exon 3 of the MRE11A gene, results from a T to C substitution at nucleotide position 170. The leucine at codon 57 is replaced by serine, an amino acid with dissimilar properties. This amino acid position is conserved. In addition, this alteration is predicted to be deleterious by in silico analysis. Since supporting evidence is limited at this time, the clinical significance of this alteration remains unclear.